The following is an entry in ClinVar:

NM_000093.5(COL5A1):c.598G>A (p.Asp200Asn)

Gene: COL5A1 (collagen type V alpha 1 chain; plus strand). Cytogenetic location: 9q34.3.
Variant type: single nucleotide variant.
Coding change: c.598G>A on transcript NM_000093.5 (MANE Select); coding-DNA position 598, G replaced by A.
Protein change: p.Asp200Asn; replaces aspartic acid 200 with asparagine.
Molecular consequence: missense variant.
Genome position (GRCh38, 1-based): chr9:134,701,277, G>A. VCF-style: chr9-134701277-G-A. GRCh37 (hg19) VCF-style: chr9-137593123-G-A.
Other names: p.D200N:GAC>AAC; p.Asp200Asn; c.598G>A, p.Asp200Asn (NM_001278074.1); short protein forms D200N.
Identifiers: ClinVar variation 213015 (VCV000213015.28), dbSNP rs142890619, ClinGen allele CA320960.

ClinVar aggregate classification (germline): Conflicting classifications of pathogenicity. Review status: criteria provided, conflicting classifications (1 of 4 stars). 10 submissions from 10 submitters: Uncertain significance (1); Likely benign (9). Last evaluated 2026-03-23.

Conditions:
Ehlers-Danlos syndrome, classic type, 1 (EDSCL1). Also called: Ehlers-Danlos syndrome, type 1; EHLERS-DANLOS SYNDROME, GRAVIS TYPE; EHLERS-DANLOS SYNDROME, SEVERE CLASSIC TYPE; Ehlers-Danlos Syndrome, Classic Type, COL5A1-Related; EDS I. Identifiers: MedGen C0268335, MONDO:0019567, OMIM 130000.
Ehlers-Danlos syndrome (EDS). Identifiers: Orphanet 98249, MedGen C0013720, MONDO:0020066.
Familial thoracic aortic aneurysm and aortic dissection (TAAD). Also called: Thoracic aortic aneurysms and dissections. Identifiers: Orphanet 91387, MedGen C4707243, MONDO:0019625.

Allele frequency attached by ClinVar (database versions not stated): 1000 Genomes Project 30x 0.00016; 1000 Genomes Project 0.00020; gnomAD 0.00034; gnomAD exomes 0.00037 and 0.00061; TOPMed 0.00037; ExAC 0.00041; ESP Exome Variant Server 0.00054.
gnomAD v4.1: 928 of 1,613,938 alleles (0.057%); highest among the groups gnomAD compares: Non-Finnish European, 0.073%; no homozygotes.

Submissions (10):

Women's Health and Genetics/Laboratory Corporation of America, LabCorp
Classification: Likely benign. Last evaluated: 2026-03-23. Review status: criteria provided, single submitter. Criteria: LabCorp Variant Classification Summary - May 2015. Collection method: clinical testing. Allele origin: germline.
Comment: Variant summary: COL5A1 c.598G>A (p.Asp200Asn) results in a conservative amino acid change located in the Laminin G domain (IPR001791) of the encoded protein sequence. Algorithms developed to predict the effect of missense changes on protein structure and function are either unavailable or do not agree on the potential impact of this missense change. The variant allele was found at a frequency of 0.00037 in 250270 control chromosomes. The observed variant frequency exceeds the estimated maximal expected allele frequency for disease-causing variants in COL5A1. c.598G>A has been reported in a sudden infant death syndrome cohort (e.g., Neubauer_2017) without evidence for causality. These report(s) do not provide unequivocal conclusions about association of the variant with Ehlers-Danlos Syndrome. To our knowledge, no experimental evidence demonstrating an impact on protein function has been reported. The following publications have been ascertained in the context of this evaluation (PMID: 28074886, 29924831). ClinVar contains an entry for this variant (Variation ID: 213015). Based on the evidence outlined above, the variant was classified as likely benign.

Labcorp Genetics (formerly Invitae), Labcorp
Classification: Likely benign for Ehlers-Danlos syndrome, classic type, 1. Last evaluated: 2026-01-25. Review status: criteria provided, single submitter. Criteria: Invitae Variant Classification Sherloc (09022015). Collection method: clinical testing. Allele origin: germline.

Mayo Clinic Laboratories, Mayo Clinic
Classification: Likely benign. Last evaluated: 2025-07-21. Review status: criteria provided, single submitter. Criteria: ACMG Guidelines, 2015. Collection method: clinical testing. Allele origin: germline. Observed: 8 variant alleles.
Comment: BS1

Laboratory of Genetics, Children's Clinical University Hospital Latvia
Classification: Likely benign. Last evaluated: 2025-02-16. Review status: criteria provided, single submitter. Criteria: ACMG Guidelines, 2015. Collection method: clinical testing. Allele origin: germline. Affected: yes.

Blueprint Genetics
Classification: Likely benign. Last evaluated: 2024-08-05. Review status: criteria provided, single submitter. Criteria: ACMG Guidelines, 2015. Collection method: clinical testing. Allele origin: germline.

Genome Diagnostics Laboratory, The Hospital for Sick Children
Classification: Likely benign for Ehlers-Danlos syndrome. Last evaluated: 2021-03-03. Review status: criteria provided, single submitter. Criteria: ACMG Guidelines, 2015. Collection method: clinical testing. Allele origin: germline.

GeneDx
Classification: Likely benign. Last evaluated: 2020-12-16. Review status: criteria provided, single submitter. Criteria: GeneDx Variant Classification Process June 2021. Collection method: clinical testing. Allele origin: germline. Affected: yes.
Comment: In silico analysis supports that this missense variant does not alter protein structure/function; This variant is associated with the following publications: (PMID: 28074886, 29924831)

Revvity Omics, Revvity
Classification: Uncertain significance. Last evaluated: 2019-05-23. Review status: criteria provided, single submitter. Criteria: ACMG Guidelines, 2015. Collection method: clinical testing. Allele origin: germline.

Ambry Genetics
Classification: Likely benign for Familial thoracic aortic aneurysm and aortic dissection. Last evaluated: 2019-01-14. Review status: criteria provided, single submitter. Criteria: Ambry Variant Classification Scheme 2023. Collection method: clinical testing. Allele origin: germline.

PreventionGenetics, part of Exact Sciences
Classification: Likely benign. Review status: criteria provided, single submitter. Criteria: ACMG Guidelines, 2015. Collection method: clinical testing. Allele origin: germline.

Literature cited by the submitters: PubMed 28074886 (cited by Women's Health and Genetics/Laboratory Corporation of America, LabCorp and Mayo Clinic Laboratories, Mayo Clinic); PubMed 29924831 (cited by Women's Health and Genetics/Laboratory Corporation of America, LabCorp and Mayo Clinic Laboratories, Mayo Clinic).